The following is an entry in ClinVar:

ClinVar aggregate classification (germline): Benign (0 of 4 stars; one submission).

Conditions:
ATP10A-related disorder. Also called: ATP10A-related condition.

Allele frequency attached by ClinVar (database versions not stated): 1000 Genomes Project 0.06470; 1000 Genomes Project 30x 0.06558; ExAC 0.07810; TOPMed 0.08093; gnomAD 0.08498; ESP Exome Variant Server 0.09127.
gnomAD v4.1: 123,917 of 1,577,164 alleles (7.9%); highest among the groups gnomAD compares: African/African-American, 11%; 5,337 homozygotes.

Submission:

PreventionGenetics, part of Exact Sciences
Classification: Benign for ATP10A-related condition. Last evaluated: 2020-01-20. Review status: no assertion criteria provided. Collection method: clinical testing. Allele origin: germline.
Comment: This variant is classified as benign based on ACMG/AMP sequence variant interpretation guidelines (Richards et al. 2015 PMID: 25741868, with internal and published modifications).

NM_024490.4(ATP10A):c.1595C>T (p.Thr532Met)

Gene: ATP10A (ATPase phospholipid transporting 10A (putative); minus strand). Cytogenetic location: 15q12.
Variant type: single nucleotide variant.
Coding change: c.1595C>T on transcript NM_024490.4 (MANE Select); coding-DNA position 1595, C replaced by T.
Protein change: p.Thr532Met; replaces threonine 532 with methionine.
Molecular consequence: missense variant.
Genome position (GRCh38, 1-based): chr15:25,716,911, G>A on the plus strand (C>T on the coding strand, the complement: ATP10A is on the minus strand). VCF-style: chr15-25716911-G-A. GRCh37 (hg19) VCF-style: chr15-25962058-G-A.
Other names: short protein forms T532M.
Identifiers: ClinVar variation 3061008 (VCV003061008.2), dbSNP rs2066703, ClinGen allele CA7436744.